The following is an entry in ClinVar:

ClinVar aggregate classification (germline): Likely benign. Review status: criteria provided, multiple submitters, no conflicts (2 of 4 stars). 3 submissions from 3 submitters: Likely benign (3). Last evaluated 2024-11-01.

Allele frequency attached by ClinVar (database versions not stated): ESP Exome Variant Server 0.00008; gnomAD 0.00008 and 0.00010; gnomAD exomes 0.00009 and 0.00025; TOPMed 0.00009; ExAC 0.00010.
gnomAD v4.1: 375 of 1,614,012 alleles (0.023%); highest among the groups gnomAD compares: Non-Finnish European, 0.029%; no homozygotes.

Submissions (3):

CeGaT Center for Human Genetics Tuebingen
Classification: Likely benign. Last evaluated: 2024-11-01. Review status: criteria provided, single submitter. Criteria: CeGaT Center For Human Genetics Tuebingen Variant Classification Criteria Version 2. Collection method: clinical testing. Allele origin: germline. Affected: yes. Observed: 2 variant alleles.
Comment: HECW2: BP4, BP7

Blueprint Genetics
Classification: Likely benign. Last evaluated: 2023-12-19. Review status: criteria provided, single submitter. Criteria: ACMG Guidelines, 2015. Collection method: clinical testing. Allele origin: germline.

Labcorp Genetics (formerly Invitae), Labcorp
Classification: Likely benign. Last evaluated: 2018-02-14. Review status: criteria provided, single submitter. Criteria: Invitae Variant Classification Sherloc (09022015). Collection method: clinical testing. Allele origin: germline.

NM_001348768.2(HECW2):c.3186C>T (p.Ser1062=)

Gene: HECW2 (HECT, C2 and WW domain containing E3 ubiquitin protein ligase 2; minus strand). Cytogenetic location: 2q32.3.
Variant type: single nucleotide variant.
Coding change: c.3186C>T on transcript NM_001348768.2 (MANE Select); coding-DNA position 3186, C replaced by T.
Protein change: p.Ser1062=; no amino-acid change (serine 1062 retained).
Molecular consequence: synonymous variant.
Genome position (GRCh38, 1-based): chr2:196,274,073, G>A on the plus strand (C>T on the coding strand, the complement: HECW2 is on the minus strand). VCF-style: chr2-196274073-G-A. GRCh37 (hg19) VCF-style: chr2-197138797-G-A.
Other names: c.2118C>T, p.Ser706= (NM_001304840.3); c.3186C>T, p.Ser1062= (NM_020760.4).
Identifiers: ClinVar variation 734759 (VCV000734759.22), dbSNP rs201294412, ClinGen allele CA2037836.
Genomic context (GRCh38, chr2:196,274,073, plus strand): 5'-TGACATACCCACTGGAACCATGTCCTGGTACTGTGGCCTACTGACTGTATTGAATGTACT[G>A]GATGGCCTGGGAAGAACTGGTGGTCCTGCATGTCGAGAATCTTCTCCTACCTGCAAACAG-3'
Protein context (NP_001335697.1, residues 1052-1072): HAGPPVLPRP[Ser1062=]STFNTVSRPQ